The following is an entry in ClinVar:

ClinVar aggregate classification (germline): Uncertain significance (1 of 4 stars; one submission).

Conditions:
Usher syndrome type 3B. Also called: USHER SYNDROME, TYPE IIIB. Identifiers: MedGen C3281066, MONDO:0013788, OMIM 614504.

Allele frequency attached by ClinVar (database versions not stated): gnomAD exomes 0.00002 and 0.00003; ExAC 0.00003.
gnomAD v4.1: 26 of 1,614,214 alleles (0.0016%); highest among the groups gnomAD compares: South Asian, 0.025%; 1 homozygote.

Submission:

Labcorp Genetics (formerly Invitae), Labcorp
Classification: Uncertain significance for Usher syndrome type 3B. Last evaluated: 2023-10-02. Review status: criteria provided, single submitter. Criteria: Invitae Variant Classification Sherloc (09022015). Collection method: clinical testing. Allele origin: germline.
Comment: In summary, the available evidence is currently insufficient to determine the role of this variant in disease. Therefore, it has been classified as a Variant of Uncertain Significance. Advanced modeling of protein sequence and biophysical properties (such as structural, functional, and spatial information, amino acid conservation, physicochemical variation, residue mobility, and thermodynamic stability) performed at Invitae indicates that this missense variant is not expected to disrupt HARS protein function. ClinVar contains an entry for this variant (Variation ID: 1036801). This variant has not been reported in the literature in individuals affected with HARS-related conditions. This variant is present in population databases (rs777214329, gnomAD 0.03%). This sequence change replaces isoleucine, which is neutral and non-polar, with threonine, which is neutral and polar, at codon 314 of the HARS protein (p.Ile314Thr).

NM_002109.6(HARS1):c.941T>C (p.Ile314Thr)

Gene: HARS1 (histidyl-tRNA synthetase 1; minus strand). Cytogenetic location: 5q31.3.
Variant type: single nucleotide variant.
Coding change: c.941T>C on transcript NM_002109.6 (MANE Select); coding-DNA position 941, T replaced by C.
Protein change: p.Ile314Thr; replaces isoleucine 314 with threonine.
Molecular consequence: missense variant.
Genome position (GRCh38, 1-based): chr5:140,676,999, A>G on the plus strand (T>C on the coding strand, the complement: HARS1 is on the minus strand). VCF-style: chr5-140676999-A-G. GRCh37 (hg19) VCF-style: chr5-140056584-A-G.
Other names: c.821T>C, p.Ile274Thr (NM_001258040.3); c.881T>C, p.Ile294Thr (NM_001258041.3); c.761T>C, p.Ile254Thr (NM_001258042.3); c.719T>C, p.Ile240Thr (NM_001289092.2); c.599T>C, p.Ile200Thr (NM_001289093.2); c.854T>C, p.Ile285Thr (NM_001289094.2); short protein forms I314T, I240T, I294T, I200T, I254T, I274T, I285T.
Identifiers: ClinVar variation 1036801 (VCV001036801.8), dbSNP rs777214329, ClinGen allele CA3443961.
Genomic context (GRCh38, chr5:140,676,999, plus strand): 5'-GACCTGAAGCCCCAGAGCTCAGAAGGGATCCCGTCCCCAACTTGACTCACTTTGTCATCA[A>G]TGCCAAATAGGGTCAGGTACTCAAAGAGCAACTTCAGGTCTCCCAGGCCCTCCAAGGCCT-3'
Protein context (NP_002100.2, residues 304-324): LLFEYLTLFG[Ile314Thr]DDKISFDLSL